The following is an entry in ClinVar:

ClinVar aggregate classification (germline): Uncertain significance. Review status: criteria provided, multiple submitters, no conflicts (2 of 4 stars). 2 submissions from 2 submitters: Uncertain significance (2). Last evaluated 2025-07-02.

Conditions:
Inborn genetic diseases. Identifiers: MedGen C0950123, MeSH D030342.

Submissions (2):

Ambry Genetics
Classification: Uncertain significance for Inborn genetic diseases. Last evaluated: 2025-07-02. Review status: criteria provided, single submitter. Criteria: Ambry Variant Classification Scheme 2023. Collection method: clinical testing. Allele origin: germline.

Labcorp Genetics (formerly Invitae), Labcorp
Classification: Uncertain significance. Last evaluated: 2025-04-10. Review status: criteria provided, single submitter. Criteria: Invitae Variant Classification Sherloc (09022015). Collection method: clinical testing. Allele origin: germline.
Comment: This sequence change replaces arginine, which is basic and polar, with glutamine, which is neutral and polar, at codon 22 of the AMHR2 protein (p.Arg22Gln). This variant is present in population databases (rs747962250, gnomAD 0.02%). This variant has not been reported in the literature in individuals affected with AMHR2-related conditions. Invitae Evidence Modeling of protein sequence and biophysical properties (such as structural, functional, and spatial information, amino acid conservation, physicochemical variation, residue mobility, and thermodynamic stability) has been performed for this missense variant. However, the output from this modeling did not meet the statistical confidence thresholds required to predict the impact of this variant on AMHR2 protein function. In summary, the available evidence is currently insufficient to determine the role of this variant in disease. Therefore, it has been classified as a Variant of Uncertain Significance.

NM_020547.3(AMHR2):c.65G>A (p.Arg22Gln)

Gene: AMHR2 (anti-Mullerian hormone receptor type 2; plus strand). Cytogenetic location: 12q13.13.
Variant type: single nucleotide variant.
Coding change: c.65G>A on transcript NM_020547.3 (MANE Select); coding-DNA position 65, G replaced by A.
Protein change: p.Arg22Gln; replaces arginine 22 with glutamine.
Molecular consequence: missense variant.
Genome position (GRCh38, 1-based): chr12:53,424,303, G>A. VCF-style: chr12-53424303-G-A. GRCh37 (hg19) VCF-style: chr12-53818087-G-A.
Other names: c.65G>A, p.Arg22Gln (NM_001164690.2, NM_001164691.2); short protein forms R22Q.
Identifiers: ClinVar variation 4091823 (VCV004091823.2).
Genomic context (GRCh38, chr12:53,424,303, plus strand): 5'-TCACTCCCACCTTGAATCTTTTCCTTTCCCCACCCTGGGCCTCAGCACCCCCAAACAGGC[G>A]AACCTGTGTGTTCTTTGAGGCCCCTGGAGTGCGGGGAAGCACAAAGACACTGGGAGAGCT-3'
Protein context (NP_065434.1, residues 12-32): PTAVEAPPNR[Arg22Gln]TCVFFEAPGV